The following is an entry in ClinVar:

ClinVar aggregate classification (germline): Uncertain significance (1 of 4 stars; one submission).

gnomAD v4.1: 79 of 1,613,568 alleles (0.0049%); highest among the groups gnomAD compares: Middle Eastern, 0.016%; no homozygotes.

Submission:

GeneDx
Classification: Uncertain significance. Last evaluated: 2022-12-18. Review status: criteria provided, single submitter. Criteria: GeneDx Variant Classification Process June 2021. Collection method: clinical testing. Allele origin: germline. Affected: yes.
Comment: Not observed at significant frequency in large population cohorts (gnomAD); In silico analysis supports that this missense variant does not alter protein structure/function; Has not been previously published as pathogenic or benign to our knowledge

NM_138295.5(PKD1L1):c.4337T>C (p.Ile1446Thr)

Gene: PKD1L1 (polycystin 1 like 1, transient receptor potential channel interacting; minus strand). Cytogenetic location: 7p12.3.
Variant type: single nucleotide variant.
Coding change: c.4337T>C on transcript NM_138295.5 (MANE Select); coding-DNA position 4337, T replaced by C.
Protein change: p.Ile1446Thr; replaces isoleucine 1446 with threonine.
Molecular consequence: missense variant.
Genome position (GRCh38, 1-based): chr7:47,858,698, A>G on the plus strand (T>C on the coding strand, the complement: PKD1L1 is on the minus strand). VCF-style: chr7-47858698-A-G. GRCh37 (hg19) VCF-style: chr7-47898296-A-G.
Other names: short protein forms I1446T.
Identifiers: ClinVar variation 2505640 (VCV002505640.1), dbSNP rs139117336, ClinGen allele CA4253148.